The following is an entry in ClinVar:

NM_000222.3(KIT):c.2165T>C (p.Met722Thr)

Gene: KIT (KIT proto-oncogene, receptor tyrosine kinase; plus strand). Cytogenetic location: 4q12.
Variant type: single nucleotide variant.
Coding change: c.2165T>C on transcript NM_000222.3 (MANE Select); coding-DNA position 2165, T replaced by C.
Protein change: p.Met722Thr; replaces methionine 722 with threonine.
Molecular consequence: missense variant.
Genome position (GRCh38, 1-based): chr4:54,731,351, T>C. VCF-style: chr4-54731351-T-C. GRCh37 (hg19) VCF-style: chr4-55597517-T-C.
Other names: c.2153T>C, p.Met718Thr (NM_001385292.1, NM_001093772.2); c.2168T>C, p.Met723Thr (NM_001385284.1); c.2162T>C, p.Met721Thr (NM_001385285.1); c.2150T>C, p.Met717Thr (NM_001385286.1); c.2156T>C, p.Met719Thr (NM_001385288.1); c.2165T>C, p.Met722Thr (NM_001385290.1); short protein forms M717T, M718T, M719T, M721T, M722T, M723T.
Identifiers: ClinVar variation 3370861 (VCV003370861.2).

ClinVar aggregate classification (germline): Uncertain significance. Review status: criteria provided, multiple submitters, no conflicts (2 of 4 stars). 2 submissions from 2 submitters: Uncertain significance (2). Last evaluated 2026-07-06.

Conditions:
Hereditary cancer-predisposing syndrome. Also called: Tumor predisposition; Hereditary Cancer Syndrome; Hereditary neoplastic syndrome; Neoplastic Syndromes, Hereditary. Identifiers: Orphanet 140162, MedGen C0027672, MeSH D009386, MONDO:0015356.

gnomAD v4.1: 1 of 1,613,388 alleles (0.000062%); highest among the groups gnomAD compares: Non-Finnish European, 0.000085%; no homozygotes.

Submissions (2):

Ambry Genetics
Classification: Uncertain significance for Hereditary cancer-predisposing syndrome. Last evaluated: 2026-07-06. Review status: criteria provided, single submitter. Criteria: Ambry Variant Classification Scheme 2023. Collection method: clinical testing. Allele origin: germline.
Comment: The p.M722T variant (also known as c.2165T>C), located in coding exon 15 of the KIT gene, results from a T to C substitution at nucleotide position 2165. The methionine at codon 722 is replaced by threonine, an amino acid with similar properties. This amino acid position is conserved. In addition, this alteration is predicted to be deleterious by in silico analysis. Based on the available evidence, the clinical significance of this variant remains unclear.

GeneDx
Classification: Uncertain significance. Last evaluated: 2024-03-13. Review status: criteria provided, single submitter. Criteria: GeneDx Variant Classification Process June 2021. Collection method: clinical testing. Allele origin: germline. Affected: yes.
Comment: Not observed at significant frequency in large population cohorts (gnomAD); In silico analysis supports that this missense variant has a deleterious effect on protein structure/function; Has not been previously published as pathogenic or benign to our knowledge